The following is an entry in ClinVar:

ClinVar aggregate classification (germline): Pathogenic. Review status: criteria provided, single submitter (1 of 4 stars). 2 submissions from 2 submitters: Pathogenic (1). 1 of the submissions does not count toward it. Last evaluated 2023-03-31.

Conditions:
Ornithine carbamoyltransferase deficiency (OTCD). Also called: ORNITHINE TRANSCARBAMYLASE DEFICIENCY, HYPERAMMONEMIA DUE TO; ORNITHINE TRANSCARBAMYLASE DEFICIENCY; OTC DEFICIENCY; Ornithine Carbamoyltransferase Deficiency Disease. Identifiers: Orphanet 664, MedGen C0268542, MONDO:0010703, OMIM 311250.

Submissions (2):

Labcorp Genetics (formerly Invitae), Labcorp
Classification: Pathogenic for Ornithine carbamoyltransferase deficiency. Last evaluated: 2023-03-31. Review status: criteria provided, single submitter. Criteria: Invitae Variant Classification Sherloc (09022015). Collection method: clinical testing. Allele origin: germline.
Comment: For these reasons, this variant has been classified as Pathogenic. Algorithms developed to predict the effect of sequence changes on RNA splicing suggest that this variant may disrupt the consensus splice site. ClinVar contains an entry for this variant (Variation ID: 97240). Disruption of this splice site has been observed in individual(s) with ornithine transcarbamylase deficiency (PMID: 8566955). This variant is not present in population databases (gnomAD no frequency). This sequence change affects a donor splice site in intron 5 of the OTC gene. It is expected to disrupt RNA splicing. Variants that disrupt the donor or acceptor splice site typically lead to a loss of protein function (PMID: 16199547), and loss-of-function variants in OTC are known to be pathogenic (PMID: 10946359, 16786505).

GenMed Metabolism Lab
Classification: Pathogenic. Review status: no assertion criteria provided. Collection method: not provided. Allele origin: unknown. Not counted in ClinVar's aggregate classification.
Comment: Neonatal, Donor splice site error
ClinVar note: Converted during submission from pathogenic to Pathogenic.

Literature cited by the submitters: PubMed 8566955 (cited by Labcorp Genetics (formerly Invitae), Labcorp); PubMed 16199547 (cited by Labcorp Genetics (formerly Invitae), Labcorp); PubMed 10946359 (cited by Labcorp Genetics (formerly Invitae), Labcorp); PubMed 16786505 (cited by Labcorp Genetics (formerly Invitae), Labcorp).

NM_000531.6(OTC):c.540+1G>C

Gene: OTC (ornithine transcarbamylase; plus strand). Cytogenetic location: Xp11.4.
Variant type: single nucleotide variant.
Coding change: c.540+1G>C on transcript NM_000531.6 (MANE Select); the canonical splice donor site of the intron after coding-DNA position 540, G replaced by C.
Molecular consequence: splice donor variant.
Genome position (GRCh38, 1-based): chrX:38,401,429, G>C. VCF-style: chrX-38401429-G-C. GRCh37 (hg19) VCF-style: chrX-38260682-G-C.
Other names: c.540+1G>C (NM_001407092.1).
Identifiers: ClinVar variation 97240 (VCV000097240.5), dbSNP rs72556288, ClinGen allele CA224672.